The following is an entry in ClinVar:

ClinVar aggregate classification (germline): Likely benign (0 of 4 stars; one submission).

Conditions:
DAAM2-related disorder. Also called: DAAM2-related condition.

Allele frequency attached by ClinVar (database versions not stated): ESP Exome Variant Server 0.00056; 1000 Genomes Project 30x 0.00094; 1000 Genomes Project 0.00100.
gnomAD v4.1: 276 of 1,495,478 alleles (0.018%); highest among the groups gnomAD compares: African/African-American, 0.36%; no homozygotes.

Submission:

PreventionGenetics, part of Exact Sciences
Classification: Likely benign for DAAM2-related condition. Last evaluated: 2022-04-07. Review status: no assertion criteria provided. Collection method: clinical testing. Allele origin: germline.
Comment: This variant is classified as likely benign based on ACMG/AMP sequence variant interpretation guidelines (Richards et al. 2015 PMID: 25741868, with internal and published modifications).

NM_001201427.2(DAAM2):c.129G>A (p.Pro43=)

Gene: DAAM2 (dishevelled associated activator of morphogenesis 2; plus strand). Cytogenetic location: 6p21.2.
Variant type: single nucleotide variant.
Coding change: c.129G>A on transcript NM_001201427.2 (MANE Select); coding-DNA position 129, G replaced by A.
Protein change: p.Pro43=; no amino-acid change (proline 43 retained).
Molecular consequence: synonymous variant.
Genome position (GRCh38, 1-based): chr6:39,856,431, G>A. VCF-style: chr6-39856431-G-A. GRCh37 (hg19) VCF-style: chr6-39824207-G-A.
Other names: c.129G>A, p.Pro43= (NM_015345.4).
Identifiers: ClinVar variation 3037122 (VCV003037122.2), dbSNP rs370984960, ClinGen allele CA3794610.
Genomic context (GRCh38, chr6:39,856,431, plus strand): 5'-CGAAATCAACCTCCGGGACAACCACCCTCTGCAGTTCATGGAGTTCTCCAGCCCCATCCC[G>A]AACGCAGAGGAGCTCAACATCCGCTTTGCAGAGCTGGTGGTCAGTGAGAGGGTGGGGAGA-3'
Protein context (NP_001188356.1, residues 33-53): LQFMEFSSPI[Pro43=]NAEELNIRFA